The following is an entry in ClinVar:

ClinVar aggregate classification (germline): Uncertain significance (1 of 4 stars; one submission).

Conditions:
KCNMA1-related disorder. Also called: KCNMA1-related disorders; KCNMA1-related condition.

gnomAD v4.1: 1 of 1,607,654 alleles (0.000062%); highest among the groups gnomAD compares: Non-Finnish European, 0.000085%; no homozygotes.

Submission:

PreventionGenetics, part of Exact Sciences
Classification: Uncertain significance for KCNMA1-related condition. Last evaluated: 2025-06-19. Review status: criteria provided, single submitter. Criteria: ACMG Guidelines, 2015. Collection method: clinical testing. Allele origin: germline.
Comment: The KCNMA1 c.3173G>A variant is predicted to result in the amino acid substitution p.Gly1058Asp. To our knowledge, this variant has not been reported in the literature or in a large population database (gnomAD), indicating this variant is rare. At this time, the clinical significance of this variant is uncertain due to the absence of conclusive functional and genetic evidence.

NM_001161352.2(KCNMA1):c.3347G>A (p.Gly1116Asp)

Genes: KCNMA1 (potassium calcium-activated channel subfamily M alpha 1; minus strand), KCNMA1-AS1 (KCNMA1 antisense RNA 1; plus strand). Cytogenetic location: 10q22.3.
Variant type: single nucleotide variant.
Coding change: c.3347G>A on transcript NM_001161352.2 (MANE Select); coding-DNA position 3347, G replaced by A.
Protein change: p.Gly1116Asp; replaces glycine 1116 with aspartic acid.
Molecular consequence: missense variant.
Genome position (GRCh38, 1-based): chr10:76,889,565, C>T on the plus strand (G>A on the coding strand, the complement: KCNMA1 is on the minus strand). VCF-style: chr10-76889565-C-T. GRCh37 (hg19) VCF-style: chr10-78649323-C-T.
Other names: c.3185G>A, p.Gly1062Asp (NM_001014797.3); c.3296G>A, p.Gly1099Asp (NM_001161353.2); c.3023G>A, p.Gly1008Asp (NM_001271518.2); c.3263G>A, p.Gly1088Asp (NM_001271519.2); c.3182G>A, p.Gly1061Asp (NM_001322829.2, NM_001322836.2); c.3275G>A, p.Gly1092Asp (NM_001322830.2); c.3173G>A, p.Gly1058Asp (NM_001322832.2, NM_001410940.1, NM_002247.4); c.3266G>A, p.Gly1089Asp (NM_001322835.2, NM_001322837.2); and 3 more; short protein forms G1058D, G1087D, G1092D, G1088D, G907D, G1008D, G1089D, G1099D.
Identifiers: ClinVar variation 4998490 (VCV004998490.1).
Genomic context (GRCh38, chr10:76,889,565, plus strand): 5'-CCAAAACAAAGCATATTATATGTTTTCAGAGCTTTGCAGAACAGATCACCATAACAACCA[C>T]CATCCTGGGAGACAGCAAAAGAACAGAGAGAAACATCCTTTTTATTTGCCTGAAAATCAA-3'
Protein context (NP_001154824.1, residues 1106-1126): LDGPFADLGD[Gly1116Asp]GCYGDLFCKA